The following is an entry in ClinVar:

ClinVar aggregate classification (germline): Uncertain significance (1 of 4 stars; one submission).

Conditions:
Cardiovascular phenotype. Identifiers: MedGen CN230736.

Allele frequency attached by ClinVar (database versions not stated): TOPMed below 0.00001; gnomAD 0.00001.

Submission:

Ambry Genetics
Classification: Uncertain significance for Cardiovascular phenotype. Last evaluated: 2024-01-13. Review status: criteria provided, single submitter. Criteria: Ambry Variant Classification Scheme 2023. Collection method: clinical testing. Allele origin: germline.
Comment: The p.E1129G variant (also known as c.3386A>G), located in coding exon 2 of the ZNF469 gene, results from an A to G substitution at nucleotide position 3386. The glutamic acid at codon 1129 is replaced by glycine, an amino acid with similar properties. This amino acid position is conserved. In addition, this alteration is predicted to be tolerated by in silico analysis. Since supporting evidence is limited at this time, the clinical significance of this alteration remains unclear.

NM_001367624.2(ZNF469):c.3470A>G (p.Glu1157Gly)

Gene: ZNF469 (zinc finger protein 469; plus strand). Cytogenetic location: 16q24.2.
Variant type: single nucleotide variant.
Coding change: c.3470A>G on transcript NM_001367624.2 (MANE Select); coding-DNA position 3470, A replaced by G.
Protein change: p.Glu1157Gly; replaces glutamic acid 1157 with glycine.
Molecular consequence: missense variant.
Genome position (GRCh38, 1-based): chr16:88,430,940, A>G. VCF-style: chr16-88430940-A-G. GRCh37 (hg19) VCF-style: chr16-88497348-A-G.
Other names: NM_001127464.1:c.3386A>G; short protein forms E1157G.
Identifiers: ClinVar variation 3232789 (VCV003232789.1), dbSNP rs1436903511, ClinGen allele CA397084497.
Genomic context (GRCh38, chr16:88,430,940, plus strand): 5'-AACCCCGGAAGGCGGCGAGGCAGGAAGCCGGCGGGGACGGAGCCCCCGCGAACCCCGAGG[A>G]GCCGGGCGGGTCTCGCCCGGGCCCCGGCAGGAGCCCTCAGGCCCGTGGCCCGTCTCGAAG-3'
Protein context (NP_001354553.1, residues 1147-1167): GGDGAPANPE[Glu1157Gly]PGGSRPGPGR